The following is an entry in ClinVar:

NM_001023.4(RPS20):c.4-15T>C

Gene: RPS20 (ribosomal protein S20; minus strand). Cytogenetic location: 8q12.1.
Variant type: single nucleotide variant.
Coding change: c.4-15T>C on transcript NM_001023.4 (MANE Select); 15 bases into the intron before coding-DNA position 4, T replaced by C.
Molecular consequence: intron variant.
Genome position (GRCh38, 1-based): chr8:56,074,174, A>G on the plus strand (T>C on the coding strand, the complement: RPS20 is on the minus strand). VCF-style: chr8-56074174-A-G. GRCh37 (hg19) VCF-style: chr8-56986733-A-G.
Other names: c.4-15T>C (NM_001146227.3).
Identifiers: ClinVar variation 1589517 (VCV001589517.9), dbSNP rs746963404, ClinGen allele CA4754482.

ClinVar aggregate classification (germline): Likely benign. Review status: criteria provided, multiple submitters, no conflicts (2 of 4 stars). 2 submissions from 2 submitters: Likely benign (2). Last evaluated 2026-07-31.

Conditions:
Familial colorectal cancer type X. Identifiers: Orphanet 440437, MedGen C3896578, MONDO:0018604.

Allele frequency attached by ClinVar (database versions not stated): gnomAD 0.00001; ExAC 0.00001; gnomAD exomes 0.00001; TOPMed 0.00001.
gnomAD v4.1: 12 of 1,602,894 alleles (0.00075%); highest among the groups gnomAD compares: East Asian, 0.0022%; no homozygotes.

Submissions (2):

Myriad Genetics, Inc.
Classification: Likely benign for Familial colorectal cancer type X. Last evaluated: 2026-07-31. Review status: criteria provided, single submitter. Criteria: Myriad Autosomal Dominant, Autosomal Recessive and X-Linked Classification Criteria (2023). Collection method: clinical testing. Allele origin: unknown.
Comment: This variant is considered likely benign. This variant is intronic and is not expected to impact mRNA splicing.

Labcorp Genetics (formerly Invitae), Labcorp
Classification: Likely benign. Last evaluated: 2021-04-02. Review status: criteria provided, single submitter. Criteria: Invitae Variant Classification Sherloc (09022015). Collection method: clinical testing. Allele origin: germline.